The following is an entry in ClinVar:

ClinVar aggregate classification (germline): Uncertain significance (1 of 4 stars; one submission).

Submission:

GeneDx
Classification: Uncertain significance. Last evaluated: 2021-11-01. Review status: criteria provided, single submitter. Criteria: GeneDx Variant Classification Process June 2021. Collection method: clinical testing. Allele origin: germline. Affected: yes.
Comment: Not observed at significant frequency in large population cohorts (Lek et al., 2016); In silico analysis supports that this missense variant has a deleterious effect on protein structure/function; Has not been previously published as pathogenic or benign to our knowledge

NM_004818.3(DDX23):c.323T>C (p.Leu108Ser)

Gene: DDX23 (DEAD-box helicase 23; minus strand). Cytogenetic location: 12q13.12.
Variant type: single nucleotide variant.
Coding change: c.323T>C on transcript NM_004818.3 (MANE Select); coding-DNA position 323, T replaced by C.
Protein change: p.Leu108Ser; replaces leucine 108 with serine.
Molecular consequence: missense variant.
Genome position (GRCh38, 1-based): chr12:48,840,104, A>G on the plus strand (T>C on the coding strand, the complement: DDX23 is on the minus strand). VCF-style: chr12-48840104-A-G. GRCh37 (hg19) VCF-style: chr12-49233887-A-G.
Other names: short protein forms L108S.
Identifiers: ClinVar variation 1321520 (VCV001321520.2), dbSNP rs2137487873, ClinGen allele CA384683474.